The following is an entry in ClinVar:

NM_007103.4(NDUFV1):c.326+278C>G

Gene: NDUFV1 (NADH:ubiquinone oxidoreductase core subunit V1; plus strand). Cytogenetic location: 11q13.2.
Variant type: single nucleotide variant.
Coding change: c.326+278C>G on transcript NM_007103.4 (MANE Select); 278 bases into the intron after coding-DNA position 326, C replaced by G.
Molecular consequence: intron variant.
Genome position (GRCh38, 1-based): chr11:67,609,000, C>G. VCF-style: chr11-67609000-C-G. GRCh37 (hg19) VCF-style: chr11-67376471-C-G.
Other names: c.299+278C>G (NM_001166102.2).
Identifiers: ClinVar variation 683172 (VCV000683172.2), dbSNP rs74344930, ClinGen allele CA224179237.

ClinVar aggregate classification (germline): Benign. Review status: criteria provided, multiple submitters, no conflicts (2 of 4 stars). 2 submissions from 2 submitters: Benign (2). Last evaluated 2018-06-16.

Allele frequency attached by ClinVar (database versions not stated): gnomAD 0.04774; TOPMed 0.04864; 1000 Genomes Project 0.05252; 1000 Genomes Project 30x 0.05793.
gnomAD v4.1: 7,023 of 152,218 alleles (4.6%); highest among the groups gnomAD compares: African/African-American, 16%; 529 homozygotes.

Submissions (2):

GeneDx
Classification: Benign. Last evaluated: 2018-06-16. Review status: criteria provided, single submitter. Criteria: GeneDx Variant Classification (06012015). Collection method: clinical testing. Allele origin: germline. Affected: yes.
Comment: This variant is considered likely benign or benign based on one or more of the following criteria: it is a conservative change, it occurs at a poorly conserved position in the protein, it is predicted to be benign by multiple in silico algorithms, and/or has population frequency not consistent with disease.

Breakthrough Genomics
Classification: Benign. Review status: criteria provided, single submitter. Criteria: ACMG Guidelines, 2015. Collection method: not provided. Allele origin: germline. Inheritance: Autosomal recessive inheritance. Affected: yes.